The following is an entry in ClinVar:

NM_000414.4(HSD17B4):c.1945G>A (p.Val649Ile)

Gene: HSD17B4 (hydroxysteroid 17-beta dehydrogenase 4; plus strand). Cytogenetic location: 5q23.1.
Variant type: single nucleotide variant.
Coding change: c.1945G>A on transcript NM_000414.4 (MANE Select); coding-DNA position 1945, G replaced by A.
Protein change: p.Val649Ile; replaces valine 649 with isoleucine.
Molecular consequence: missense variant. On other transcripts: non-coding transcript variant (2).
Genome position (GRCh38, 1-based): chr5:119,531,356, G>A. VCF-style: chr5-119531356-G-A. GRCh37 (hg19) VCF-style: chr5-118867051-G-A.
Other names: c.2020G>A, p.Val674Ile (NM_001199291.3); c.1891G>A, p.Val631Ile (NM_001199292.2); c.1873G>A, p.Val625Ile (NM_001292027.2, NM_001374498.1); c.1525G>A, p.Val509Ile (NM_001292028.2); c.1936G>A, p.Val646Ile (NM_001374497.1); c.1618G>A, p.Val540Ile (NM_001374499.1); c.1504G>A, p.Val502Ile (NM_001374500.1); c.1534G>A, p.Val512Ile (NM_001374501.1, NM_001374502.1, NM_001374503.1); short protein forms V502I, V512I, V540I, V631I, V674I, V509I, V625I, V646I.
Identifiers: ClinVar variation 1947619 (VCV001947619.5), dbSNP rs1278901993, ClinGen allele CA360871255.
Genomic context (GRCh38, chr5:119,531,356, plus strand): 5'-GAGGAAATAGGACGCCGCCTAAAGGATATTGGGCCTGAGGTGGTGAAGAAAGTAAATGCT[G>A]TATTTGAGTGGCATATAACCAAAGGCGGAAATATTGGGGCTAAGTGGAGTAAGTTATAGC-3'
Protein context (NP_000405.1, residues 639-659): GPEVVKKVNA[Val649Ile]FEWHITKGGN

ClinVar aggregate classification (germline): Uncertain significance (1 of 4 stars; one submission).

Conditions:
Perrault syndrome. Also called: Gonadal dysgenesis with auditory dysfunction, autosomal recessive inheritance. Identifiers: Orphanet 2855, MedGen C0685838, MONDO:0017312.
Bifunctional peroxisomal enzyme deficiency (DBIF). Also called: PBFE DEFICIENCY; D-bifunctional protein deficiency; DBP DEFICIENCY. Identifiers: Orphanet 300, MedGen C0342870, MONDO:0009855, OMIM 261515. Disease mechanism: loss of function.

gnomAD v4.1: 1 of 1,613,530 alleles (0.000062%); no homozygotes.

Submission:

Labcorp Genetics (formerly Invitae), Labcorp
Classification: Uncertain significance for Perrault syndrome; Bifunctional peroxisomal enzyme deficiency. Last evaluated: 2023-12-07. Review status: criteria provided, single submitter. Criteria: Invitae Variant Classification Sherloc (09022015). Collection method: clinical testing. Allele origin: germline.
Comment: This sequence change replaces valine, which is neutral and non-polar, with isoleucine, which is neutral and non-polar, at codon 649 of the HSD17B4 protein (p.Val649Ile). This variant is not present in population databases (gnomAD no frequency). This variant has not been reported in the literature in individuals affected with HSD17B4-related conditions. ClinVar contains an entry for this variant (Variation ID: 1947619). Advanced modeling of protein sequence and biophysical properties (such as structural, functional, and spatial information, amino acid conservation, physicochemical variation, residue mobility, and thermodynamic stability) performed at Invitae indicates that this missense variant is not expected to disrupt HSD17B4 protein function with a negative predictive value of 95%. In summary, the available evidence is currently insufficient to determine the role of this variant in disease. Therefore, it has been classified as a Variant of Uncertain Significance.